The following is an entry in ClinVar:

NM_015338.6(ASXL1):c.1547A>G (p.Asp516Gly)

Gene: ASXL1 (ASXL transcriptional regulator 1; plus strand). Cytogenetic location: 20q11.21.
Variant type: single nucleotide variant.
Coding change: c.1547A>G on transcript NM_015338.6 (MANE Select); coding-DNA position 1547, A replaced by G.
Protein change: p.Asp516Gly; replaces aspartic acid 516 with glycine.
Molecular consequence: missense variant.
Genome position (GRCh38, 1-based): chr20:32,433,745, A>G. VCF-style: chr20-32433745-A-G. GRCh37 (hg19) VCF-style: chr20-31021548-A-G.
Other names: c.1364A>G, p.Asp455Gly (NM_001363734.1); short protein forms D455G, D516G.
Identifiers: ClinVar variation 4587535 (VCV004587535.1).
Genomic context (GRCh38, chr20:32,433,745, plus strand): 5'-ACTTGGCACGTGCCTCTGCATCTCCAGACAGAATTCCTAGCCTGCCTCAGGAAACTGTGG[A>G]TCAGGAACCCAAGGATCAGAAGAGGAAATCCTTTGAGCAGGCGGCCTCTGCATCCTTTCC-3'
Protein context (NP_056153.2, residues 506-526): RIPSLPQETV[Asp516Gly]QEPKDQKRKS

ClinVar aggregate classification (germline): Uncertain significance (1 of 4 stars; one submission).

Conditions:
Inborn genetic diseases. Identifiers: MedGen C0950123, MeSH D030342.

Submission:

Ambry Genetics
Classification: Uncertain significance for Inborn genetic diseases. Last evaluated: 2025-10-02. Review status: criteria provided, single submitter. Criteria: Ambry Variant Classification Scheme 2023. Collection method: clinical testing. Allele origin: germline.
Comment: The p.D516G variant (also known as c.1547A>G), located in coding exon 12 of the ASXL1 gene, results from an A to G substitution at nucleotide position 1547. The aspartic acid at codon 516 is replaced by glycine, an amino acid with similar properties. This amino acid position is conserved. In addition, this alteration is predicted to be tolerated by in silico analysis. Based on the available evidence, the clinical significance of this variant remains unclear.